The following is an entry in ClinVar:

ClinVar aggregate classification (germline): Uncertain significance (1 of 4 stars; one submission).

Allele frequency attached by ClinVar (database versions not stated): gnomAD exomes 0.00001.
gnomAD v4.1: 8 of 1,613,588 alleles (0.0005%); highest among the groups gnomAD compares: African/African-American, 0.0013%; no homozygotes.

Submission:

Labcorp Genetics (formerly Invitae), Labcorp
Classification: Uncertain significance. Last evaluated: 2021-12-14. Review status: criteria provided, single submitter. Criteria: Invitae Variant Classification Sherloc (09022015). Collection method: clinical testing. Allele origin: germline.
Comment: This sequence change replaces tyrosine, which is neutral and polar, with cysteine, which is neutral and slightly polar, at codon 943 of the ELP1 protein (p.Tyr943Cys). This variant is not present in population databases (gnomAD no frequency). This variant has not been reported in the literature in individuals affected with ELP1-related conditions. Algorithms developed to predict the effect of missense changes on protein structure and function (SIFT, PolyPhen-2, Align-GVGD) all suggest that this variant is likely to be disruptive. In summary, the available evidence is currently insufficient to determine the role of this variant in disease. Therefore, it has been classified as a Variant of Uncertain Significance.

NM_003640.5(ELP1):c.2828A>G (p.Tyr943Cys)

Gene: ELP1 (elongator acetyltransferase complex subunit 1; minus strand). Cytogenetic location: 9q31.3.
Variant type: single nucleotide variant.
Coding change: c.2828A>G on transcript NM_003640.5 (MANE Select); coding-DNA position 2828, A replaced by G.
Protein change: p.Tyr943Cys; replaces tyrosine 943 with cysteine.
Molecular consequence: missense variant.
Genome position (GRCh38, 1-based): chr9:108,893,975, T>C on the plus strand (A>G on the coding strand, the complement: ELP1 is on the minus strand). VCF-style: chr9-108893975-T-C. GRCh37 (hg19) VCF-style: chr9-111656255-T-C.
Other names: c.2486A>G, p.Tyr829Cys (NM_001318360.2); c.1781A>G, p.Tyr594Cys (NM_001330749.2); short protein forms Y594C, Y829C, Y943C.
Identifiers: ClinVar variation 1472369 (VCV001472369.3), dbSNP rs924119518, ClinGen allele CA197531417.
Genomic context (GRCh38, chr9:108,893,975, plus strand): 5'-AGATAAACATACTAATCCCCACACTTACCACATTTGCTGAGGTGGCCAATGGCTTTTTCA[T>C]ATCGTTTCAAGTATTTGTCTATAGTAAACCGCTGATAATTAGTTTCCATTTTCTTAAGTG-3'
Protein context (NP_003631.2, residues 933-953): RFTIDKYLKR[Tyr943Cys]EKAIGHLSKC